The following is an entry in ClinVar:

ClinVar aggregate classification (germline): Likely benign. Review status: criteria provided, multiple submitters, no conflicts (2 of 4 stars). 4 submissions from 4 submitters: Likely benign (3). 1 of the submissions does not count toward it. Last evaluated 2026-01-16.

Conditions:
CHD8-related disorder. Also called: CHD8-related condition; CHD8-related disorders.
Inborn genetic diseases. Identifiers: MedGen C0950123, MeSH D030342.

Allele frequency attached by ClinVar (database versions not stated): ExAC 0.00004; TOPMed 0.00010; gnomAD 0.00011; ESP Exome Variant Server 0.00017.
gnomAD v4.1: 219 of 1,612,632 alleles (0.014%); highest among the groups gnomAD compares: Non-Finnish European, 0.017%; no homozygotes.

Submissions (4):

Labcorp Genetics (formerly Invitae), Labcorp
Classification: Likely benign. Last evaluated: 2026-01-16. Review status: criteria provided, single submitter. Criteria: Invitae Variant Classification Sherloc (09022015). Collection method: clinical testing. Allele origin: germline.

CeGaT Center for Human Genetics Tuebingen
Classification: Likely benign. Last evaluated: 2025-10-01. Review status: criteria provided, single submitter. Criteria: CeGaT Center For Human Genetics Tuebingen Variant Classification Criteria Version 2. Collection method: clinical testing. Allele origin: germline. Affected: yes. Observed: 1 variant allele.
Comment: CHD8: BS2

Ambry Genetics
Classification: Likely benign for Inborn genetic diseases. Last evaluated: 2025-06-09. Review status: criteria provided, single submitter. Criteria: Ambry Variant Classification Scheme 2023. Collection method: clinical testing. Allele origin: germline.

PreventionGenetics, part of Exact Sciences
Classification: Likely benign for CHD8-related condition. Last evaluated: 2023-10-09. Review status: no assertion criteria provided. Collection method: clinical testing. Allele origin: germline. Not counted in ClinVar's aggregate classification.
Comment: This variant is classified as likely benign based on ACMG/AMP sequence variant interpretation guidelines (Richards et al. 2015 PMID: 25741868, with internal and published modifications).

NM_001170629.2(CHD8):c.3229G>A (p.Gly1077Ser)

Gene: CHD8 (chromodomain helicase DNA binding protein 8; minus strand). Cytogenetic location: 14q11.2.
Variant type: single nucleotide variant.
Coding change: c.3229G>A on transcript NM_001170629.2 (MANE Select); coding-DNA position 3229, G replaced by A.
Protein change: p.Gly1077Ser; replaces glycine 1077 with serine.
Molecular consequence: missense variant.
Genome position (GRCh38, 1-based): chr14:21,405,287, C>T on the plus strand (G>A on the coding strand, the complement: CHD8 is on the minus strand). VCF-style: chr14-21405287-C-T. GRCh37 (hg19) VCF-style: chr14-21873446-C-T.
Other names: c.2392G>A, p.Gly798Ser (NM_020920.4); short protein forms G1077S, G798S.
Identifiers: ClinVar variation 1729151 (VCV001729151.14), dbSNP rs370413542, ClinGen allele CA7091445.